The following is an entry in ClinVar:

NM_007327.4(GRIN1):c.993G>A (p.Ala331=)

Gene: GRIN1 (glutamate ionotropic receptor NMDA type subunit 1; plus strand). Cytogenetic location: 9q34.3.
Variant type: single nucleotide variant.
Coding change: c.993G>A on transcript NM_007327.4 (MANE Select); coding-DNA position 993, G replaced by A.
Protein change: p.Ala331=; no amino-acid change (alanine 331 retained).
Molecular consequence: synonymous variant.
Genome position (GRCh38, 1-based): chr9:137,158,403, G>A. VCF-style: chr9-137158403-G-A. GRCh37 (hg19) VCF-style: chr9-140052855-G-A.
Other names: p.Ala331=; c.993G>A, p.Ala331= (NM_000832.7, NM_021569.4); c.1056G>A, p.Ala352= (NM_001185090.2, NM_001185091.2).
Identifiers: ClinVar variation 945717 (VCV000945717.9), dbSNP rs1015050343, ClinGen allele CA201739122.

ClinVar aggregate classification (germline): Likely benign. Review status: criteria provided, multiple submitters, no conflicts (2 of 4 stars). 2 submissions from 2 submitters: Likely benign (2). Last evaluated 2025-06-24.

Conditions:
Neurodevelopmental disorder with or without hyperkinetic movements and seizures, autosomal dominant. Also called: Intellectual disability, autosomal dominant 8. Identifiers: MedGen C3280282, MONDO:0013655, OMIM 614254.

Allele frequency attached by ClinVar (database versions not stated): gnomAD exomes 0.00001; TOPMed 0.00002; gnomAD 0.00003.
gnomAD v4.1: 20 of 1,613,452 alleles (0.0012%); highest among the groups gnomAD compares: Admixed American, 0.005%; no homozygotes.

Submissions (2):

Mayo Clinic Laboratories, Mayo Clinic
Classification: Likely benign. Last evaluated: 2025-06-24. Review status: criteria provided, single submitter. Criteria: ACMG Guidelines, 2015. Collection method: clinical testing. Allele origin: germline. Observed: 1 variant allele.
Comment: BP4, BP7

Labcorp Genetics (formerly Invitae), Labcorp
Classification: Likely benign for Neurodevelopmental disorder with or without hyperkinetic movements and seizures, autosomal dominant. Last evaluated: 2024-03-16. Review status: criteria provided, single submitter. Criteria: Invitae Variant Classification Sherloc (09022015). Collection method: clinical testing. Allele origin: germline.